The following is an entry in ClinVar:

ClinVar aggregate classification (germline): Uncertain significance (1 of 4 stars; one submission).

Conditions:
Hereditary breast ovarian cancer syndrome. Also called: Hereditary breast and ovarian cancer syndrome; Hereditary breast and ovarian cancer syndrome (HBOC); BRCA1- and BRCA2-Associated Hereditary Breast and Ovarian Cancer; Hereditary breast and ovarian cancer; Breast and ovarian cancer; Hereditary breast and/or ovarian cancer syndrome. Identifiers: Orphanet 145, MedGen C0677776, MeSH D061325, MONDO:0003582. Disease mechanism: loss of function.

Submission:

Labcorp Genetics (formerly Invitae), Labcorp
Classification: Uncertain significance for Hereditary breast ovarian cancer syndrome. Last evaluated: 2024-05-29. Review status: criteria provided, single submitter. Criteria: Invitae Variant Classification Sherloc (09022015). Collection method: clinical testing. Allele origin: germline.
Comment: This sequence change replaces aspartic acid, which is acidic and polar, with alanine, which is neutral and non-polar, at codon 2819 of the BRCA2 protein (p.Asp2819Ala). This variant is not present in population databases (gnomAD no frequency). This variant has not been reported in the literature in individuals affected with BRCA2-related conditions. Advanced modeling of protein sequence and biophysical properties (such as structural, functional, and spatial information, amino acid conservation, physicochemical variation, residue mobility, and thermodynamic stability) performed at Invitae indicates that this missense variant is not expected to disrupt BRCA2 protein function with a negative predictive value of 95%. In summary, the available evidence is currently insufficient to determine the role of this variant in disease. Therefore, it has been classified as a Variant of Uncertain Significance.

NM_000059.4(BRCA2):c.8456A>C (p.Asp2819Ala)

Gene: BRCA2 (BRCA2 DNA repair associated; plus strand). Cytogenetic location: 13q13.1.
Variant type: single nucleotide variant.
Coding change: c.8456A>C on transcript NM_000059.4 (MANE Select); coding-DNA position 8456, A replaced by C.
Protein change: p.Asp2819Ala; replaces aspartic acid 2819 with alanine.
Molecular consequence: missense variant. On other transcripts: non-coding transcript variant (1).
Genome position (GRCh38, 1-based): chr13:32,370,526, A>C. VCF-style: chr13-32370526-A-C. GRCh37 (hg19) VCF-style: chr13-32944663-A-C.
Other names: c.8360A>C, p.Asp2787Ala (NM_001406719.1); c.8456A>C, p.Asp2819Ala (NM_001406720.1, NM_001432077.1); c.3524A>C, p.Asp1175Ala (NM_001406721.1); c.2039A>C, p.Asp680Ala (NM_001406722.1); short protein forms D2819A, D2787A, D680A, D1175A.
Identifiers: ClinVar variation 3636541 (VCV003636541.2).
Genomic context (GRCh38, chr13:32,370,526, plus strand): 5'-GACCTTTTCCTCTGCCCTTATCATCGCTTTTCAGTGATGGAGGAAATGTTGGTTGTGTTG[A>C]TGTAATTATTCAAAGAGCATACCCTATACAGGTATGATGTATTCTTGAAACTTACCATAT-3'
Protein context (NP_000050.3, residues 2809-2829): FSDGGNVGCV[Asp2819Ala]VIIQRAYPIQ